The following is an entry in ClinVar:

NM_000454.5(SOD1):c.449T>C (p.Ile150Thr)

Gene: SOD1 (superoxide dismutase 1; plus strand). Cytogenetic location: 21q22.11.
Variant type: single nucleotide variant.
Coding change: c.449T>C on transcript NM_000454.5 (MANE Select); coding-DNA position 449, T replaced by C.
Protein change: p.Ile150Thr; replaces isoleucine 150 with threonine.
Molecular consequence: missense variant.
Genome position (GRCh38, 1-based): chr21:31,668,562, T>C. VCF-style: chr21-31668562-T-C. GRCh37 (hg19) VCF-style: chr21-33040875-T-C.
Other names: p.Ile150Thr; short protein forms I150T.
Identifiers: ClinVar variation 1455194 (VCV001455194.10), dbSNP rs1424014997, ClinGen allele CA410037827.

ClinVar aggregate classification (germline): Pathogenic/Likely pathogenic. Review status: criteria provided, multiple submitters, no conflicts (2 of 4 stars). 5 submissions from 5 submitters: Pathogenic (3); Likely pathogenic (1). 1 of the submissions does not count toward it. Last evaluated 2025-12-11.

Conditions:
SOD1-related disorder. Also called: SOD1-related condition.
Amyotrophic lateral sclerosis type 1 (ALS1). Also called: AMYOTROPHIC LATERAL SCLEROSIS 1, FAMILIAL. Identifiers: Orphanet 803, MedGen C1862939, MONDO:0007103, OMIM 105400.

Allele frequency attached by ClinVar (database versions not stated): gnomAD exomes 0.00001.

Submissions (5):

Medical and Scientific Branch, Hong Kong Genome Institute
Classification: Pathogenic for Amyotrophic lateral sclerosis type 1. Last evaluated: 2025-12-11. Review status: criteria provided, single submitter. Criteria: ACMG Guidelines, 2015. Collection method: clinical testing. Allele origin: germline. Affected: yes.

Labcorp Genetics (formerly Invitae), Labcorp
Classification: Pathogenic for Amyotrophic lateral sclerosis type 1. Last evaluated: 2025-04-02. Review status: criteria provided, single submitter. Criteria: Invitae Variant Classification Sherloc (09022015). Collection method: clinical testing. Allele origin: germline.
Comment: This sequence change replaces isoleucine, which is neutral and non-polar, with threonine, which is neutral and polar, at codon 150 of the SOD1 protein (p.Ile150Thr). This variant is present in population databases (no rsID available, gnomAD 0.002%). This missense change has been observed in individuals with autosomal dominant amyotrophic lateral sclerosis (PMID: 7887412, 28709720). It has also been observed to segregate with disease in related individuals. ClinVar contains an entry for this variant (Variation ID: 1455194). Invitae Evidence Modeling of protein sequence and biophysical properties (such as structural, functional, and spatial information, amino acid conservation, physicochemical variation, residue mobility, and thermodynamic stability) indicates that this missense variant is expected to disrupt SOD1 protein function with a positive predictive value of 95%. Experimental studies have shown that this missense change affects SOD1 function (PMID: 20404329, 23280792, 23872456). For these reasons, this variant has been classified as Pathogenic.

Mayo Clinic Laboratories, Mayo Clinic
Classification: Likely pathogenic. Last evaluated: 2022-02-08. Review status: criteria provided, single submitter. Criteria: ACMG Guidelines, 2015. Collection method: clinical testing. Allele origin: germline. Observed: 1 variant allele.
Comment: PP1, PP3, PM1, PM2, PS4_moderate

Athena Diagnostics
Classification: Pathogenic. Last evaluated: 2022-01-06. Review status: criteria provided, single submitter. Criteria: Athena Diagnostics Criteria. Collection method: clinical testing. Allele origin: unknown.
Comment: This variant is statistically more frequent in affected individuals than in the general population and/or healthy controls; therefore, The frequency of this variant in the general population is consistent with pathogenicity. This variant appears to segregate with disease in at least one family. This variant is also referred to as p.Ile149Thr in published literature. Computational tools predict that this variant is damaging.

PreventionGenetics, part of Exact Sciences
Classification: Pathogenic for SOD1-related condition. Last evaluated: 2024-08-09. Review status: no assertion criteria provided. Collection method: clinical testing. Allele origin: germline. Not counted in ClinVar's aggregate classification.
Comment: The SOD1 c.449T>C variant is predicted to result in the amino acid substitution p.Ile150Thr. This variant, previously described as p.Ile149Thr using legacy nomenclature, has been reported to be causative for amyotrophic lateral sclerosis (Pang et al. 2017. PubMed ID: 28709720; Pramatarova et al. 1995. PubMed ID: 7887412; Brown et al. 2012. PubMed ID: 22292843). This variant is reported in 0.0018% of alleles in individuals of European (Non-Finnish) descent in gnomAD and is interpreted as pathogenic in ClinVar. This variant is interpreted as pathogenic.

Literature cited by the submitters: PubMed 7887412 (cited by 3 submitters); PubMed 28709720 (cited by 3 submitters); PubMed 20404329 (cited by 3 submitters); PubMed 23280792 (cited by 3 submitters); PubMed 23872456 (cited by 3 submitters); PubMed 16963403 (cited by Mayo Clinic Laboratories, Mayo Clinic and Athena Diagnostics); PubMed 26742954 (cited by Mayo Clinic Laboratories, Mayo Clinic and Athena Diagnostics); PubMed 29149916 (cited by Mayo Clinic Laboratories, Mayo Clinic and Athena Diagnostics); PubMed 31788332 (cited by Mayo Clinic Laboratories, Mayo Clinic and Athena Diagnostics); PubMed 32951934 (cited by Mayo Clinic Laboratories, Mayo Clinic and Athena Diagnostics); PubMed 32987860 (cited by Mayo Clinic Laboratories, Mayo Clinic and Athena Diagnostics); PubMed 34721532 (cited by Mayo Clinic Laboratories, Mayo Clinic and Athena Diagnostics); PubMed 8528216 (cited by Athena Diagnostics); PubMed 9065559 (cited by Athena Diagnostics); PubMed 33479441 (cited by Athena Diagnostics).